The following is an entry in ClinVar:

NM_004655.4(AXIN2):c.9C>T (p.Ser3=)

Gene: AXIN2 (axin 2; minus strand). Cytogenetic location: 17q24.1.
Variant type: single nucleotide variant.
Coding change: c.9C>T on transcript NM_004655.4 (MANE Select); coding-DNA position 9, C replaced by T.
Protein change: p.Ser3=; no amino-acid change (serine 3 retained).
Molecular consequence: synonymous variant.
Genome position (GRCh38, 1-based): chr17:65,558,612, G>A on the plus strand (C>T on the coding strand, the complement: AXIN2 is on the minus strand). VCF-style: chr17-65558612-G-A. GRCh37 (hg19) VCF-style: chr17-63554730-G-A.
Other names: c.9C>T, p.Ser3= (NM_001363813.1).
Identifiers: ClinVar variation 1087161 (VCV001087161.12), dbSNP rs553412612, ClinGen allele CA501691777.

ClinVar aggregate classification (germline): Benign/Likely benign. Review status: criteria provided, multiple submitters, no conflicts (2 of 4 stars). 3 submissions from 3 submitters: Benign (1); Likely benign (2). Last evaluated 2024-06-25.

Conditions:
Oligodontia-cancer predisposition syndrome. Also called: TOOTH AGENESIS-COLORECTAL CANCER SYNDROME. Identifiers: Orphanet 300576, MedGen C1837750, MONDO:0012075, OMIM 608615. Disease mechanism: loss of function.
Hereditary cancer-predisposing syndrome. Also called: Hereditary Cancer Syndrome; Neoplastic Syndromes, Hereditary; Hereditary neoplastic syndrome; Tumor predisposition. Identifiers: Orphanet 140162, MedGen C0027672, MeSH D009386, MONDO:0015356.

gnomAD v4.1: 1 of 1,606,582 alleles (0.000062%); highest among the groups gnomAD compares: South Asian, 0.0011%; no homozygotes.

Submissions (3):

Myriad Genetics, Inc.
Classification: Benign for Oligodontia-cancer predisposition syndrome. Last evaluated: 2024-06-25. Review status: criteria provided, single submitter. Criteria: Myriad Autosomal Dominant, Autosomal Recessive and X-Linked Classification Criteria (2023). Collection method: clinical testing. Allele origin: unknown.
Comment: This variant is considered benign. This variant is a silent/synonymous amino acid change and it is not expected to impact splicing.

Labcorp Genetics (formerly Invitae), Labcorp
Classification: Likely benign for Oligodontia-cancer predisposition syndrome. Last evaluated: 2023-09-29. Review status: criteria provided, single submitter. Criteria: Invitae Variant Classification Sherloc (09022015). Collection method: clinical testing. Allele origin: germline.

Ambry Genetics
Classification: Likely benign for Hereditary cancer-predisposing syndrome. Last evaluated: 2020-03-17. Review status: criteria provided, single submitter. Criteria: Ambry Variant Classification Scheme 2023. Collection method: clinical testing. Allele origin: germline.